The following is an entry in ClinVar:

NM_001378454.1(ALMS1):c.8699T>C (p.Val2900Ala)

Gene: ALMS1 (ALMS1 centrosome and basal body associated protein; plus strand). Cytogenetic location: 2p13.1.
Variant type: single nucleotide variant.
Coding change: c.8699T>C on transcript NM_001378454.1 (MANE Select); coding-DNA position 8699, T replaced by C.
Protein change: p.Val2900Ala; replaces valine 2900 with alanine.
Molecular consequence: missense variant.
Genome position (GRCh38, 1-based): chr2:73,490,658, T>C. VCF-style: chr2-73490658-T-C. GRCh37 (hg19) VCF-style: chr2-73717785-T-C.
Other names: c.8702T>C, p.Val2901Ala (NM_015120.4); short protein forms V2900A, V2901A.
Identifiers: ClinVar variation 1472972 (VCV001472972.3), dbSNP rs1672960979, ClinGen allele CA347270146.

ClinVar aggregate classification (germline): Uncertain significance (1 of 4 stars; one submission).

Conditions:
Alstrom syndrome (ALMS). Identifiers: Orphanet 64, MedGen C0268425, MONDO:0008763, OMIM 203800.

Allele frequency attached by ClinVar (database versions not stated): TOPMed below 0.00001; gnomAD exomes 0.00001.
gnomAD v4.1: 5 of 1,614,172 alleles (0.00031%); highest among the groups gnomAD compares: Admixed American, 0.0067%; no homozygotes.

Submission:

Labcorp Genetics (formerly Invitae), Labcorp
Classification: Uncertain significance for Alstrom syndrome. Last evaluated: 2022-04-19. Review status: criteria provided, single submitter. Criteria: Invitae Variant Classification Sherloc (09022015). Collection method: clinical testing. Allele origin: germline.
Comment: This sequence change replaces valine, which is neutral and non-polar, with alanine, which is neutral and non-polar, at codon 2901 of the ALMS1 protein (p.Val2901Ala). This variant is not present in population databases (gnomAD no frequency). This variant has not been reported in the literature in individuals affected with ALMS1-related conditions. Experimental studies and prediction algorithms are not available or were not evaluated, and the functional significance of this variant is currently unknown. In summary, the available evidence is currently insufficient to determine the role of this variant in disease. Therefore, it has been classified as a Variant of Uncertain Significance.